The following is an entry in ClinVar:

ClinVar aggregate classification (germline): Uncertain significance (1 of 4 stars; one submission).

Conditions:
Xeroderma pigmentosum, group F (XPF). Also called: XERODERMA PIGMENTOSUM VI; XP, GROUP F; XERODERMA PIGMENTOSUM, COMPLEMENTATION GROUP F; ERCC4-Related Xeroderma Pigmentosum; XERODERMA PIGMENTOSUM, TYPE F; Xeroderma pigmentosum, type 6. Identifiers: MedGen C0268140, MONDO:0010215, OMIM 278760.
Fanconi anemia complementation group Q. Identifiers: Orphanet 84, MedGen C3808988, MONDO:0014108, OMIM 615272.
Cockayne syndrome. Identifiers: Orphanet 191, MedGen C0009207, MONDO:0016006.

Submission:

Labcorp Genetics (formerly Invitae), Labcorp
Classification: Uncertain significance for Fanconi anemia complementation group Q; Xeroderma pigmentosum, group F; Cockayne syndrome. Last evaluated: 2021-09-20. Review status: criteria provided, single submitter. Criteria: Invitae Variant Classification Sherloc (09022015). Collection method: clinical testing. Allele origin: germline.
Comment: In summary, the available evidence is currently insufficient to determine the role of this variant in disease. Therefore, it has been classified as a Variant of Uncertain Significance. Algorithms developed to predict the effect of sequence changes on RNA splicing suggest that this variant may create or strengthen a splice site. Algorithms developed to predict the effect of missense changes on protein structure and function are either unavailable or do not agree on the potential impact of this missense change (SIFT: "Tolerated"; PolyPhen-2: "Possibly Damaging"; Align-GVGD: "Class C0"). This variant has not been reported in the literature in individuals affected with ERCC4-related conditions. This variant is not present in population databases (ExAC no frequency). This sequence change replaces histidine with tyrosine at codon 275 of the ERCC4 protein (p.His275Tyr). The histidine residue is highly conserved and there is a moderate physicochemical difference between histidine and tyrosine.

NM_005236.3(ERCC4):c.823C>T (p.His275Tyr)

Gene: ERCC4 (ERCC excision repair 4, endonuclease catalytic subunit; plus strand). Cytogenetic location: 16p13.12.
Variant type: single nucleotide variant.
Coding change: c.823C>T on transcript NM_005236.3 (MANE Select); coding-DNA position 823, C replaced by T.
Protein change: p.His275Tyr; replaces histidine 275 with tyrosine.
Molecular consequence: missense variant.
Genome position (GRCh38, 1-based): chr16:13,930,740, C>T. VCF-style: chr16-13930740-C-T. GRCh37 (hg19) VCF-style: chr16-14024597-C-T.
Other names: short protein forms H275Y.
Identifiers: ClinVar variation 1420110 (VCV001420110.6), dbSNP rs2141948413, ClinGen allele CA394803876.
Genomic context (GRCh38, chr16:13,930,740, plus strand): 5'-TAGCAATACCAAATTTTATTCTTGTTTTAGACAATCCGCCATTATCTGGATCCTTTGTGG[C>T]ACCAGCTTGGAGCCAAGACTAAATCCTTAGTTCAGGATTTGAAGATATTACGAACTTTGC-3'
Protein context (NP_005227.1, residues 265-285): TIRHYLDPLW[His275Tyr]QLGAKTKSLV